The following is an entry in ClinVar:

NM_002439.5(MSH3):c.479T>A (p.Phe160Tyr)

Gene: MSH3 (mutS homolog 3; plus strand). Cytogenetic location: 5q14.1.
Variant type: single nucleotide variant.
Coding change: c.479T>A on transcript NM_002439.5 (MANE Select); coding-DNA position 479, T replaced by A.
Protein change: p.Phe160Tyr; replaces phenylalanine 160 with tyrosine.
Molecular consequence: missense variant.
Genome position (GRCh38, 1-based): chr5:80,665,263, T>A. VCF-style: chr5-80665263-T-A. GRCh37 (hg19) VCF-style: chr5-79961082-T-A.
Other names: c.479T>A (NM_002439.3); short protein forms F160Y.
Identifiers: ClinVar variation 853677 (VCV000853677.10), dbSNP rs989487112, ClinGen allele CA121290992.

ClinVar aggregate classification (germline): Uncertain significance. Review status: criteria provided, multiple submitters, no conflicts (2 of 4 stars). 2 submissions from 2 submitters: Uncertain significance (2). Last evaluated 2024-10-05.

Conditions:
Hereditary cancer-predisposing syndrome. Also called: Neoplastic Syndromes, Hereditary; Hereditary Cancer Syndrome; Tumor predisposition; Hereditary neoplastic syndrome. Identifiers: Orphanet 140162, MedGen C0027672, MeSH D009386, MONDO:0015356.

Allele frequency attached by ClinVar (database versions not stated): TOPMed below 0.00001; gnomAD 0.00001.
gnomAD v4.1: 2 of 1,613,964 alleles (0.00012%); highest among the groups gnomAD compares: Admixed American, 0.0017%; no homozygotes.

Submissions (2):

Labcorp Genetics (formerly Invitae), Labcorp
Classification: Uncertain significance. Last evaluated: 2024-10-05. Review status: criteria provided, single submitter. Criteria: Invitae Variant Classification Sherloc (09022015). Collection method: clinical testing. Allele origin: germline.
Comment: This sequence change replaces phenylalanine, which is neutral and non-polar, with tyrosine, which is neutral and polar, at codon 160 of the MSH3 protein (p.Phe160Tyr). This variant is not present in population databases (gnomAD no frequency). This variant has not been reported in the literature in individuals affected with MSH3-related conditions. ClinVar contains an entry for this variant (Variation ID: 853677). An algorithm developed to predict the effect of missense changes on protein structure and function (PolyPhen-2) suggests that this variant is likely to be tolerated. In summary, the available evidence is currently insufficient to determine the role of this variant in disease. Therefore, it has been classified as a Variant of Uncertain Significance.

Ambry Genetics
Classification: Uncertain significance for Hereditary cancer-predisposing syndrome. Last evaluated: 2024-04-23. Review status: criteria provided, single submitter. Criteria: Ambry Variant Classification Scheme 2023. Collection method: clinical testing. Allele origin: germline.
Comment: The p.F160Y variant (also known as c.479T>A), located in coding exon 3 of the MSH3 gene, results from a T to A substitution at nucleotide position 479. The phenylalanine at codon 160 is replaced by tyrosine, an amino acid with highly similar properties. This amino acid position is not well conserved in available vertebrate species. In addition, this alteration is predicted to be tolerated by in silico analysis. Based on the available evidence, the clinical significance of this variant remains unclear.